The following is an entry in ClinVar:

ClinVar aggregate classification (germline): Pathogenic (1 of 4 stars; one submission).

Conditions:
Hypertrophic cardiomyopathy 4. Also called: Familial hypertrophic cardiomyopathy 4. Identifiers: MedGen C1861862, MONDO:0007268, OMIM 115197.

Submission:

Molecular Genetics Laboratory, Motol Hospital
Classification: Pathogenic for Hypertrophic cardiomyopathy 4. Last evaluated: 2025-09-26. Review status: criteria provided, single submitter. Criteria: ACMG Guidelines, 2015. Collection method: clinical testing. Allele origin: germline. Affected: yes. Observed: 1 variant allele.
Comment: The variant is not present in gnomAD (v4.1.0), dbSNP or ClinVar (PM2). Rare truncating variants affecting the MYBPC3 gene are associated with autosomal dominant "hypertrophic cardiomyopathy 4" (CMH4, MIM:115197; PMID:37929589;PMID:20605413;PMID:31877118) (PVS1). The variant is located within the mutation hotspot in the exon 27 of the MYBPC3 gene. To conclude, the variant is classified as pathogenic (ACMG PM2, PVS1).

Literature cited by the submitters: PubMed 37929589; PubMed 20605413; PubMed 31877118.

NM_000256.3(MYBPC3):c.2840del (p.His947fs)

Gene: MYBPC3 (myosin binding protein C3; minus strand). Cytogenetic location: 11p11.2.
Variant type: Deletion.
Coding change: c.2840del on transcript NM_000256.3 (MANE Select); coding-DNA position 2840, one base deleted (A; older notation c.2840delA).
Protein change: p.His947fs; shifts the reading frame from histidine 947.
Molecular consequence: frameshift variant.
Genome position (GRCh38, 1-based): chr11:47,335,107, T deleted on the plus strand (A on the coding strand, the reverse complement: MYBPC3 is on the minus strand). VCF-style (leftmost placement, unchanged base first): chr11-47335106-GT-G. GRCh37 (hg19) VCF-style: chr11-47356657-GT-G.
Other names: short protein forms H947fs.
Identifiers: ClinVar variation 4087710 (VCV004087710.1).